The following is an entry in ClinVar:

ClinVar aggregate classification (germline): Uncertain significance. Review status: criteria provided, multiple submitters, no conflicts (2 of 4 stars). 3 submissions from 3 submitters: Uncertain significance (3). Last evaluated 2025-09-17.

Conditions:
Inborn genetic diseases. Identifiers: MedGen C0950123, MeSH D030342.
Cortical dysplasia-focal epilepsy syndrome (PTHSL1). Also called: Pitt-Hopkins-like syndrome 1. Identifiers: Orphanet 163681, Orphanet 221150, MedGen C2750246, MONDO:0012400, OMIM 610042.

Allele frequency attached by ClinVar (database versions not stated): TOPMed 0.00007; ESP Exome Variant Server 0.00008.
gnomAD v4.1: 66 of 1,614,016 alleles (0.0041%); highest among the groups gnomAD compares: African/African-American, 0.0053%; no homozygotes.

Submissions (3):

Labcorp Genetics (formerly Invitae), Labcorp
Classification: Uncertain significance for Cortical dysplasia-focal epilepsy syndrome. Last evaluated: 2025-09-17. Review status: criteria provided, single submitter. Criteria: Invitae Variant Classification Sherloc (09022015). Collection method: clinical testing. Allele origin: germline.
Comment: This sequence change replaces arginine, which is basic and polar, with leucine, which is neutral and non-polar, at codon 171 of the CNTNAP2 protein (p.Arg171Leu). This variant is present in population databases (rs368487049, gnomAD 0.008%). This variant has not been reported in the literature in individuals affected with CNTNAP2-related conditions. ClinVar contains an entry for this variant (Variation ID: 205307). An algorithm developed to predict the effect of missense changes on protein structure and function (PolyPhen-2) suggests that this variant is likely to be disruptive. In summary, the available evidence is currently insufficient to determine the role of this variant in disease. Therefore, it has been classified as a Variant of Uncertain Significance.

Greenwood Genetic Center Diagnostic Laboratories, Greenwood Genetic Center
Classification: Uncertain significance. Last evaluated: 2023-12-28. Review status: criteria provided, single submitter. Criteria: ACMG Guidelines, 2015. Collection method: clinical testing. Allele origin: germline. Affected: yes.
Comment: No Rules Apply

Ambry Genetics
Classification: Uncertain significance for Inborn genetic diseases. Last evaluated: 2023-06-16. Review status: criteria provided, single submitter. Criteria: Ambry Variant Classification Scheme 2023. Collection method: clinical testing. Allele origin: germline.

NM_014141.6(CNTNAP2):c.512G>T (p.Arg171Leu)

Gene: CNTNAP2 (contactin associated protein 2; plus strand). Cytogenetic location: 7q35.
Variant type: single nucleotide variant.
Coding change: c.512G>T on transcript NM_014141.6 (MANE Select); coding-DNA position 512, G replaced by T.
Protein change: p.Arg171Leu; replaces arginine 171 with leucine.
Molecular consequence: missense variant.
Genome position (GRCh38, 1-based): chr7:147,044,016, G>T. VCF-style: chr7-147044016-G-T. GRCh37 (hg19) VCF-style: chr7-146741108-G-T.
Other names: short protein forms R171L.
Identifiers: ClinVar variation 205307 (VCV000205307.14), dbSNP rs368487049, ClinGen allele CA314247.
Genomic context (GRCh38, chr7:147,044,016, plus strand): 5'-AGCATCCGATTATTGCCCGCTATGTGCGCATAGTGCCTCTGGATTGGAATGGAGAAGGTC[G>T]CATTGGACTCAGAATTGAAGTTTATGGCTGTTCTTACTGTGAGTATCGTATTGTTTAAAT-3'
Protein context (NP_054860.1, residues 161-181): IVPLDWNGEG[Arg171Leu]IGLRIEVYGC